The following is an entry in ClinVar:

ClinVar aggregate classification (germline): Uncertain significance (1 of 4 stars; one submission).

Conditions:
Autosomal dominant nonsyndromic hearing loss 1. Also called: KONIGSMARK SYNDROME; DEAFNESS, AUTOSOMAL DOMINANT 1, WITH OR WITHOUT THROMBOCYTOPENIA. Identifiers: Orphanet 90635, MedGen C1852282, MONDO:0007424, OMIM 124900.
Progressive microcephaly-seizures-cortical blindness-developmental delay syndrome. Also called: Seizures, cortical blindness, and microcephaly syndrome. Identifiers: Orphanet 477814, MedGen C5567650, MONDO:0014714, OMIM 616632.

Submission:

Labcorp Genetics (formerly Invitae), Labcorp
Classification: Uncertain significance for Progressive microcephaly-seizures-cortical blindness-developmental delay syndrome; Autosomal dominant nonsyndromic hearing loss 1. Last evaluated: 2025-06-22. Review status: criteria provided, single submitter. Criteria: Invitae Variant Classification Sherloc (09022015). Collection method: clinical testing. Allele origin: germline.
Comment: This sequence change falls in intron 27 of the DIAPH1 gene. It does not directly change the encoded amino acid sequence of the DIAPH1 protein. It affects a nucleotide within the consensus splice site. This variant is not present in population databases (gnomAD no frequency). This variant has not been reported in the literature in individuals affected with DIAPH1-related conditions. Variants that disrupt the consensus splice site are a relatively common cause of aberrant splicing (PMID: 17576681, 9536098). Algorithms developed to predict the effect of sequence changes on RNA splicing suggest that this variant may disrupt the consensus splice site. In summary, the available evidence is currently insufficient to determine the role of this variant in disease. Therefore, it has been classified as a Variant of Uncertain Significance.

Literature cited by the submitters: PubMed 17576681; PubMed 9536098.

NM_005219.5(DIAPH1):c.3662-3C>G

Gene: DIAPH1 (diaphanous related formin 1; minus strand). Cytogenetic location: 5q31.3.
Variant type: single nucleotide variant.
Coding change: c.3662-3C>G on transcript NM_005219.5 (MANE Select); 3 bases into the intron before coding-DNA position 3662, C replaced by G.
Molecular consequence: intron variant.
Genome position (GRCh38, 1-based): chr5:141,517,011, G>C on the plus strand (C>G on the coding strand, the complement: DIAPH1 is on the minus strand). VCF-style: chr5-141517011-G-C. GRCh37 (hg19) VCF-style: chr5-140896578-G-C.
Other names: c.3635-3C>G (NM_001079812.3); c.3715-3C>G (NM_001314007.2).
Identifiers: ClinVar variation 4783957 (VCV004783957.1).